The following is an entry in ClinVar:

NM_004525.3(LRP2):c.5316C>G (p.Val1772=)

Gene: LRP2 (LDL receptor related protein 2; minus strand). Cytogenetic location: 2q31.1.
Variant type: single nucleotide variant.
Coding change: c.5316C>G on transcript NM_004525.3 (MANE Select); coding-DNA position 5316, C replaced by G.
Protein change: p.Val1772=; no amino-acid change (valine 1772 retained).
Molecular consequence: synonymous variant.
Genome position (GRCh38, 1-based): chr2:169,226,500, G>C on the plus strand (C>G on the coding strand, the complement: LRP2 is on the minus strand). VCF-style: chr2-169226500-G-C. GRCh37 (hg19) VCF-style: chr2-170083010-G-C.
Identifiers: ClinVar variation 2651526 (VCV002651526.24), dbSNP rs2545852928, ClinGen allele CA429918599.

ClinVar aggregate classification (germline): Likely benign (1 of 4 stars; one submission).

Submission:

CeGaT Center for Human Genetics Tuebingen
Classification: Likely benign. Last evaluated: 2023-10-01. Review status: criteria provided, single submitter. Criteria: CeGaT Center For Human Genetics Tuebingen Variant Classification Criteria Version 2. Collection method: clinical testing. Allele origin: germline. Affected: yes. Observed: 1 variant allele.
Comment: LRP2: PM2:Supporting, BP4, BP7